The following is an entry in ClinVar:

ClinVar aggregate classification (germline): Pathogenic (1 of 4 stars; one submission).

Conditions:
Beckwith-Wiedemann syndrome (BWS). Also called: Exomphalos macroglossia gigantism syndrome; EMG SYNDROME. Identifiers: Orphanet 116, MedGen C0004903, MONDO:0007534, OMIM 130650.

Submission:

Labcorp Genetics (formerly Invitae), Labcorp
Classification: Pathogenic for Beckwith-Wiedemann syndrome. Last evaluated: 2024-07-06. Review status: criteria provided, single submitter. Criteria: Invitae Variant Classification Sherloc (09022015). Collection method: clinical testing. Allele origin: germline.
Comment: This sequence change creates a premature translational stop signal (p.Lys278*) in the CDKN1C gene. It is expected to result in an absent or disrupted protein product. Loss-of-function variants in CDKN1C are known to be pathogenic (PMID: 20503313). This variant is not present in population databases (gnomAD no frequency). This variant has not been reported in the literature in individuals affected with CDKN1C-related conditions. For these reasons, this variant has been classified as Pathogenic.

Literature cited by the submitters: PubMed 20503313.

NM_001122630.2(CDKN1C):c.799A>T (p.Lys267Ter)

Gene: CDKN1C (cyclin dependent kinase inhibitor 1C; minus strand). Cytogenetic location: 11p15.4.
Variant type: single nucleotide variant.
Coding change: c.799A>T on transcript NM_001122630.2 (MANE Select); coding-DNA position 799, A replaced by T.
Protein change: p.Lys267Ter; replaces lysine 267 with a stop codon.
Molecular consequence: nonsense. On other transcripts: synonymous variant (1).
Genome position (GRCh38, 1-based): chr11:2,884,123, T>A on the plus strand (A>T on the coding strand, the complement: CDKN1C is on the minus strand). VCF-style: chr11-2884123-T-A. GRCh37 (hg19) VCF-style: chr11-2905353-T-A.
Other names: c.832A>T, p.Lys278Ter (NM_000076.2, NM_001362474.2); c.799A>T, p.Lys267Ter (NM_001122631.2); c.267A>T, p.Pro89= (NM_001362475.2); short protein forms K267*, K278*.
Identifiers: ClinVar variation 3658924 (VCV003658924.2).